The following is an entry in ClinVar:

ClinVar aggregate classification (germline): Conflicting classifications of pathogenicity. Review status: criteria provided, conflicting classifications (1 of 4 stars). 11 submissions from 11 submitters: Uncertain significance (10); Likely benign (1). Last evaluated 2026-01-21.

Conditions:
Cardiovascular phenotype. Identifiers: MedGen CN230736.
Neurofibroma. Identifiers: Orphanet 252183, MedGen C0027830, MeSH D009455, MONDO:0016755, HP:0001067.
Noonan syndrome and Noonan-related syndrome. Identifiers: Orphanet 98733, MedGen C5681679, MONDO:0020297.
Noonan syndrome 1 (NS1). Also called: FEMALE PSEUDO-TURNER SYNDROME; TURNER PHENOTYPE WITH NORMAL KARYOTYPE; PTPN11-Related Noonan Syndrome. Identifiers: Orphanet 648, MedGen C4551602, MONDO:0008104, OMIM 163950. Disease mechanism: gain of function.
LEOPARD syndrome 1 (LPRD1). Also called: LENTIGINOSIS, CARDIOMYOPATHIC; MULTIPLE LENTIGINES SYNDROME; PTPN11-Related LEOPARD Syndrome. Identifiers: Orphanet 500, MedGen C4551484, MONDO:0100082, OMIM 151100.
Juvenile myelomonocytic leukemia (JMML). Also called: LEUKEMIA, JUVENILE MYELOMONOCYTIC, SOMATIC. Identifiers: Orphanet 86834, MedGen C0349639, MONDO:0011908, OMIM 607785, HP:0012209.
Metachondromatosis (METCDS). Identifiers: Orphanet 2499, MedGen C0410530, MONDO:0007979, OMIM 156250.
RASopathy. Also called: rasopathies; Noonan spectrum disorder. Identifiers: Orphanet 536391, MedGen C5555857, MONDO:0021060.

Allele frequency attached by ClinVar (database versions not stated): gnomAD 0.00002 and 0.00003; gnomAD exomes 0.00003 and 0.00006; TOPMed 0.00003; ExAC 0.00010; ESP Exome Variant Server 0.00015.
gnomAD v4.1: 50 of 1,613,648 alleles (0.0031%); highest among the groups gnomAD compares: Non-Finnish European, 0.0042%; no homozygotes.

Submissions (11):

Labcorp Genetics (formerly Invitae), Labcorp
Classification: Uncertain significance for RASopathy. Last evaluated: 2026-01-21. Review status: criteria provided, single submitter. Criteria: Invitae Variant Classification Sherloc (09022015). Collection method: clinical testing. Allele origin: germline.
Comment: This sequence change replaces glycine, which is neutral and non-polar, with alanine, which is neutral and non-polar, at codon 409 of the PTPN11 protein (p.Gly409Ala). This variant is present in population databases (rs201247699, gnomAD 0.01%). This missense change has been observed in individual(s) with suspected diagnosis of Noonan syndrome and/or features consistent with mild RASopathy (PMID: 17052965, 21548061, 24451042, 38318288). ClinVar contains an entry for this variant (Variation ID: 44596). Invitae Evidence Modeling of protein sequence and biophysical properties (such as structural, functional, and spatial information, amino acid conservation, physicochemical variation, residue mobility, and thermodynamic stability) indicates that this missense variant is not expected to disrupt PTPN11 protein function with a negative predictive value of 80%. In summary, the available evidence is currently insufficient to determine the role of this variant in disease. Therefore, it has been classified as a Variant of Uncertain Significance.

Ambry Genetics
Classification: Uncertain significance for Cardiovascular phenotype. Last evaluated: 2024-12-04. Review status: criteria provided, single submitter. Criteria: Ambry Variant Classification Scheme 2023. Collection method: clinical testing. Allele origin: germline.
Comment: The p.G409A variant (also known as c.1226G>C), located in coding exon 11 of the PTPN11 gene, results from a G to C substitution at nucleotide position 1226. The glycine at codon 409 is replaced by alanine, an amino acid with similar properties. This variant was reported to segregate with mild feature of Noonan syndrome (NS) in a family without cardiovascular findings (Zenker M et al. Eur J Med Genet Sep;50:43-7). This variant co-occurred with a de novo variant in the SHOC2 gene in a proband with severe/complex NS, while the PTPN11 variant was seen alone in two relatives reported to have mild features (Ekvall S et al. Am J Med Genet A, 2011 Jun;155A:1217-24). This variant has also been detected in an individual with suspected NS; however, details were limited (Lepri FR et al. BMC Med Genet, 2014 Jan;15:14). This amino acid position is highly conserved in available vertebrate species. In addition, the in silico prediction for this alteration is inconclusive. Since supporting evidence is limited at this time, the clinical significance of this alteration remains unclear.

Blueprint Genetics
Classification: Likely benign. Last evaluated: 2024-11-25. Review status: criteria provided, single submitter. Criteria: ACMG Guidelines, 2015. Collection method: clinical testing. Allele origin: germline.

Fulgent Genetics
Classification: Uncertain significance for LEOPARD syndrome 1; Metachondromatosis; Noonan syndrome 1; Juvenile myelomonocytic leukemia. Last evaluated: 2024-03-02. Review status: criteria provided, single submitter. Criteria: ACMG Guidelines, 2015. Collection method: clinical testing. Allele origin: germline.

Clinical Genetics Laboratory, Skane University Hospital Lund
Classification: Uncertain significance. Last evaluated: 2023-10-31. Review status: criteria provided, single submitter. Criteria: ACMG Guidelines, 2015. Collection method: clinical testing. Allele origin: germline. Affected: yes.

Department of Pathology and Laboratory Medicine, Sinai Health System
Classification: Uncertain significance for LEOPARD syndrome 1; Metachondromatosis; Noonan syndrome 1; Juvenile myelomonocytic leukemia. Last evaluated: 2022-07-13. Review status: criteria provided, single submitter. Criteria: ACMG Guidelines, 2015. Collection method: research. Allele origin: germline.

Genome Diagnostics Laboratory, The Hospital for Sick Children
Classification: Uncertain significance for Noonan syndrome and Noonan-related syndrome. Last evaluated: 2020-02-01. Review status: criteria provided, single submitter. Criteria: ACMG Guidelines, 2015. Collection method: clinical testing. Allele origin: germline.

Women's Health and Genetics/Laboratory Corporation of America, LabCorp
Classification: Uncertain significance. Last evaluated: 2018-04-02. Review status: criteria provided, single submitter. Criteria: LabCorp Variant Classification Summary - May 2015. Collection method: clinical testing. Allele origin: germline.
Comment: Variant summary: PTPN11 c.1226G>C (p.Gly409Ala) results in a non-conservative amino acid change located in the PTP type protein phosphatase (IPR000242) of the encoded protein sequence. Three of five in-silico tools predict a benign effect of the variant on protein function. The observed variant frequency within Non-Finnish European control individuals in the gnomAD database is approximately 2.24 fold of the estimated maximal expected allele frequency for a pathogenic variant in PTPN11 causing Noonan Syndrome and Related Conditions phenotype (6.3e-05), strongly suggesting that the variant is a benign polymorphism found primarily in populations of Non-Finnish European origin. The c.1226G>C has been reported in the literature in heterozygosity in individuals affected with mild features of Noonan Syndrome and Related Conditions (NSRD) in two families (Zenker 2007, Ekvall 2011) and was found in a cohort of individuals with suspected Noonan Syndrome (Lepri 2014). These reports do not provide unequivocal conclusions about association of the variant with NSRD. Co-occurrences with other pathogenic variant(s) have been reported (SHOC2 c.4A>G , p.Ser2Gly), providing supporting evidence for a benign role. To our knowledge, no experimental evidence demonstrating an impact on protein function has been reported. One clinical diagnostic laboratory has submitted clinical-significance assessments for this variant to ClinVar after 2014 without evidence for independent evaluation, and classified the variant as uncertain significance. Based on the evidence outlined above, the variant was classified as uncertain significance.

Laboratory for Molecular Medicine, Mass General Brigham Personalized Medicine
Classification: Uncertain significance. Last evaluated: 2017-01-18. Review status: criteria provided, single submitter. Criteria: LMM Criteria. Collection method: clinical testing. Allele origin: germline. Observed: 1 variant allele.
Comment: The p.Gly409Ala variant in PTPN11 has been identified in at least 2 heterozygous individuals with mild features of Noonan syndrome (Zenker 2006, Lepri 2014, LMM data) and 1 compound heterozygous individual (also carried the pathogenic p.Ser 2Gly variant in SHOC2) with a clinical diagnosis of Noonan syndrome (Ekvall 2011 ). This variant segregated with mild features of Noonan syndrome in 6 relatives from 2 families (Zenker 2006, Ekvall 2011). Please note that none of the individ uals carrying the p.Gly409Ala variant had heart defects or CNS involvement. The p.Gly409Ala variant has also been identified in 12/66642 European chromosomes by the Exome Aggregation Consortium (ExAC; dbSNP rs201247699). Computational prediction tools and conservation analysis do not pr ovide strong support for or against an impact to the protein. These data suggest that this variant may cause mild features of Noonan syndrome, but more data is needed to determine this. In summary, the clinical significance of the p.Gly409A la variant is uncertain.

Centre for Mendelian Genomics, University Medical Centre Ljubljana
Classification: Uncertain significance for Neurofibroma. Last evaluated: 2017-01-01. Review status: criteria provided, single submitter. Criteria: ACMG Guidelines, 2015. Collection method: clinical testing. Allele origin: unknown. Affected: yes.

GeneDx
Classification: Uncertain significance. Last evaluated: 2016-02-20. Review status: criteria provided, single submitter. Criteria: GeneDx Variant Classification (06012015). Collection method: clinical testing. Allele origin: germline. Affected: yes.
Comment: The G409A variant in the PTPN11 gene has been reported to co-segregate with Noonan syndrome in five individuals from one family, however these individuals had mild features and did not have any cardiac findings (Zenker et al., 2007). Additionally, Lepri et al. (2014) reported G409A in one individual with suspected Noonan syndrome, but clinical and segregation information was not provided. G409A was also reported in a proband with severe Noonan syndrome who also harbored a de novo SHOC2 variant. A parent and sibling harbored only G409A and had mild features of Noonan syndrome(Ekvall et al., 2011). The G409A variant was not observed with any significant frequency in approximately 6500 individuals of European and African American ancestry in the NHLBI Exome Sequencing Project, indicating it is not a common benign variant in these populations. The G409A variant is a conservative amino acid substitution, which is not likely to impact secondary protein structure as these residues share similar properties. This substitution occurs at a position that is conserved in mammals. In silico analysis is inconsistent in its predictions as to whether or not the variant is damaging to the protein structure/function. We interpret G409A as a variant of uncertain significance

Literature cited by the submitters: PubMed 17052965 (cited by 4 submitters); PubMed 21548061 (cited by 4 submitters); PubMed 24451042 (cited by 4 submitters); PubMed 38318288 (cited by Labcorp Genetics (formerly Invitae), Labcorp); PubMed 24803665 (cited by Ambry Genetics); PubMed 26556299 (cited by Ambry Genetics).

NM_002834.5(PTPN11):c.1226G>C (p.Gly409Ala)

Gene: PTPN11 (protein tyrosine phosphatase non-receptor type 11; plus strand). Cytogenetic location: 12q24.13.
Variant type: single nucleotide variant.
Coding change: c.1226G>C on transcript NM_002834.5 (MANE Select); coding-DNA position 1226, G replaced by C.
Protein change: p.Gly409Ala; replaces glycine 409 with alanine.
Molecular consequence: missense variant.
Genome position (GRCh38, 1-based): chr12:112,486,476, G>C. VCF-style: chr12-112486476-G-C. GRCh37 (hg19) VCF-style: chr12-112924280-G-C.
Other names: c.1238G>C, p.Gly413Ala (NM_001330437.2); c.1223G>C, p.Gly408Ala (NM_001374625.1); c.1226G>C, p.Gly409Ala (NM_080601.3); short protein forms G409A, G413A, G408A.
Identifiers: ClinVar variation 44596 (VCV000044596.25), dbSNP rs201247699, ClinGen allele CA261531.
Genomic context (GRCh38, chr12:112,486,476, plus strand): 5'-GATTCCTCAACCTCTTGATTTATTTAATTCTTTTCTGGTTTTTCTTGGCTCTACTCCAGG[G>C]GAATACGGAGAGAACGGTCTGGCAATACCACTTTCGGACCTGGCCGGACCACGGCGTGCC-3'
Protein context (NP_002825.3, residues 399-419): RELKLSKVGQ[Gly409Ala]NTERTVWQYH